The following is an entry in ClinVar:

ClinVar aggregate classification (germline): Likely benign. Review status: criteria provided, multiple submitters, no conflicts (2 of 4 stars). 2 submissions from 2 submitters: Likely benign (2). Last evaluated 2026-09-01.

Submissions (2):

CeGaT Center for Human Genetics Tuebingen
Classification: Likely benign. Last evaluated: 2026-09-01. Review status: criteria provided, single submitter. Criteria: CeGaT Center For Human Genetics Tuebingen Variant Classification Criteria Version 2. Collection method: clinical testing. Allele origin: germline. Affected: yes. Observed: 9 variant alleles.
Comment: TRAK1: BS1

Blueprint Genetics
Classification: Likely benign. Last evaluated: 2024-11-19. Review status: criteria provided, single submitter. Criteria: ACMG Guidelines, 2015. Collection method: clinical testing. Allele origin: germline.

NM_001042646.3(TRAK1):c.1963+101GGA[13]

Gene: TRAK1 (trafficking kinesin protein 1; plus strand). Cytogenetic location: 3p22.1.
Variant type: Microsatellite.
Coding change: c.1963+101GGA[13] on transcript NM_001042646.3 (MANE Select); 13 copies in a row of the 3-base unit GGA starting at c.1963+101.
Molecular consequence: intron variant.
Genome position: GRCh38 VCF-style: chr3-42210085-C-CGGAGGAGGA. GRCh37 (hg19) VCF-style: chr3-42251577-C-CGGAGGAGGA.
Other names: c.1844AGG[13], p.Glu624_Gly625insGluGluGlu (NM_001265609.2); c.1892AGG[13], p.Glu640_Gly641insGluGluGlu (NM_014965.5); c.1588+164GGA[13] (NM_001349245.1); c.1963+101GGA[13] (NM_001349247.2); c.1900+164GGA[13] (NM_001349246.2); c.1741+101GGA[13] (NM_001349249.1); c.1678+164GGA[13] (NM_001349248.1); c.1789+101GGA[13] (NM_001410741.1); and 1 more.
Identifiers: ClinVar variation 4083516 (VCV004083516.9).